The following is an entry in ClinVar:

ClinVar aggregate classification (germline): Uncertain significance (1 of 4 stars; one submission).

Conditions:
Developmental and epileptic encephalopathy, 30 (DEE30). Also called: Epileptic encephalopathy, early infantile, 30. Identifiers: MedGen C4225360, MONDO:0014595, OMIM 616341.

Submission:

Labcorp Genetics (formerly Invitae), Labcorp
Classification: Uncertain significance for Developmental and epileptic encephalopathy, 30. Last evaluated: 2026-01-24. Review status: criteria provided, single submitter. Criteria: Invitae Variant Classification Sherloc (09022015). Collection method: clinical testing. Allele origin: germline.
Comment: This sequence change replaces glutamine, which is neutral and polar, with glutamic acid, which is acidic and polar, at codon 16 of the SIK1 protein (p.Gln16Glu). This variant is present in population databases (no rsID available, gnomAD 0.0009%). This variant has not been reported in the literature in individuals affected with SIK1-related conditions. ClinVar contains an entry for this variant (Variation ID: 962607). Invitae Evidence Modeling of protein sequence and biophysical properties (such as structural, functional, and spatial information, amino acid conservation, physicochemical variation, residue mobility, and thermodynamic stability) indicates that this missense variant is not expected to disrupt SIK1 protein function with a negative predictive value of 95%. In summary, the available evidence is currently insufficient to determine the role of this variant in disease. Therefore, it has been classified as a Variant of Uncertain Significance.

NM_173354.5(SIK1):c.46C>G (p.Gln16Glu)

Gene: SIK1 (salt inducible kinase 1; minus strand). Cytogenetic location: 21q22.3.
Variant type: single nucleotide variant.
Coding change: c.46C>G on transcript NM_173354.5 (MANE Select); coding-DNA position 46, C replaced by G.
Protein change: p.Gln16Glu; replaces glutamine 16 with glutamic acid.
Molecular consequence: missense variant.
Genome position (GRCh38, 1-based): chr21:43,426,133, G>C on the plus strand (C>G on the coding strand, the complement: SIK1 is on the minus strand). VCF-style: chr21-43426133-G-C. GRCh37 (hg19) VCF-style: chr21-44846013-G-C.
Other names: short protein forms Q16E.
Identifiers: ClinVar variation 962607 (VCV000962607.8), dbSNP rs1317188418, ClinGen allele CA410611130.